The following is an entry in ClinVar:

NM_199420.4(POLQ):c.294G>T (p.Glu98Asp)

Gene: POLQ (DNA polymerase theta; minus strand). Cytogenetic location: 3q13.33.
Variant type: single nucleotide variant.
Coding change: c.294G>T on transcript NM_199420.4 (MANE Select); coding-DNA position 294, G replaced by T.
Protein change: p.Glu98Asp; replaces glutamic acid 98 with aspartic acid.
Molecular consequence: missense variant.
Genome position (GRCh38, 1-based): chr3:121,544,776, C>A on the plus strand (G>T on the coding strand, the complement: POLQ is on the minus strand). VCF-style: chr3-121544776-C-A. GRCh37 (hg19) VCF-style: chr3-121263623-C-A.
Other names: short protein forms E98D.
Identifiers: ClinVar variation 3308601 (VCV003308601.1).

ClinVar aggregate classification (germline): Uncertain significance (1 of 4 stars; one submission).

Submission:

Ambry Genetics
Classification: Uncertain significance. Last evaluated: 2024-03-23. Review status: criteria provided, single submitter. Criteria: Ambry Variant Classification Scheme 2023. Collection method: clinical testing. Allele origin: germline.
Comment: The p.E98D variant (also known as c.294G>T), located in coding exon 2 of the POLQ gene, results from a G to T substitution at nucleotide position 294. The glutamic acid at codon 98 is replaced by aspartic acid, an amino acid with highly similar properties. This amino acid position is conserved. In addition, this alteration is predicted to be tolerated by in silico analysis. Based on the available evidence, the clinical significance of this alteration remains unclear.